The following is an entry in ClinVar:

NM_000238.4(KCNH2):c.2398+58C>T

Gene: KCNH2 (potassium voltage-gated channel subfamily H member 2; minus strand). Cytogenetic location: 7q36.1.
Variant type: single nucleotide variant.
Coding change: c.2398+58C>T on transcript NM_000238.4 (MANE Select); 58 bases into the intron after coding-DNA position 2398, C replaced by T.
Molecular consequence: intron variant. On other transcripts: missense variant (5).
Genome position (GRCh38, 1-based): chr7:150,950,110, G>A on the plus strand (C>T on the coding strand, the complement: KCNH2 is on the minus strand). VCF-style: chr7-150950110-G-A. GRCh37 (hg19) VCF-style: chr7-150647198-G-A.
Other names: p.A819V:GCG>GTG; c.2168C>T, p.Ala723Val (NM_001406756.1); c.2156C>T, p.Ala719Val (NM_001406757.1); c.2456C>T, p.Ala819Val (NM_172056.3); c.1378+58C>T (NM_172057.3); c.1436C>T, p.Ala479Val (NM_001204798.2); c.2279C>T, p.Ala760Val (NM_001406755.1); short protein forms A819V, A479V, A723V, A760V, A719V.
Identifiers: ClinVar variation 200235 (VCV000200235.4), dbSNP rs774109163, ClinGen allele CA006667.

ClinVar aggregate classification (germline): Likely benign. Review status: criteria provided, multiple submitters, no conflicts (2 of 4 stars). 2 submissions from 2 submitters: Likely benign (2). Last evaluated 2026-07-01.

Conditions:
Cardiovascular phenotype. Identifiers: MedGen CN230736.

Allele frequency attached by ClinVar (database versions not stated): TOPMed 0.00002.
gnomAD v4.1: 12 of 1,611,224 alleles (0.00074%); highest among the groups gnomAD compares: Middle Eastern, 0.017%; no homozygotes.

Submissions (2):

Ambry Genetics
Classification: Likely benign for Cardiovascular phenotype. Last evaluated: 2026-07-01. Review status: criteria provided, single submitter. Criteria: Ambry Variant Classification Scheme 2023. Collection method: clinical testing. Allele origin: germline.

GeneDx
Classification: Likely benign. Last evaluated: 2015-09-04. Review status: criteria provided, single submitter. Criteria: GeneDx Variant Classification (06012015). Collection method: clinical testing. Allele origin: germline. Affected: yes.
Comment: This variant is considered likely benign or benign based on one or more of the following criteria: it is a conservative change, it occurs at a poorly conserved position in the protein, it is predicted to be benign by multiple in silico algorithms, and/or has population frequency not consistent with disease.